The following is an entry in ClinVar:

NM_007325.5(GRIA3):c.1181G>A (p.Arg394Gln)

Gene: GRIA3 (glutamate ionotropic receptor AMPA type subunit 3; plus strand). Cytogenetic location: Xq25.
Variant type: single nucleotide variant.
Coding change: c.1181G>A on transcript NM_007325.5 (MANE Select); coding-DNA position 1181, G replaced by A.
Protein change: p.Arg394Gln; replaces arginine 394 with glutamine.
Molecular consequence: missense variant.
Genome position (GRCh38, 1-based): chrX:123,403,094, G>A. VCF-style: chrX-123403094-G-A. GRCh37 (hg19) VCF-style: chrX-122536945-G-A.
Other names: c.1181G>A, p.Arg394Gln (NM_000828.5); short protein forms R394Q.
Identifiers: ClinVar variation 198752 (VCV000198752.32), dbSNP rs138817389, ClinGen allele CA248800.
Genomic context (GRCh38, chrX:123,403,094, plus strand): 5'-CTTATGGACGTAGGACAAATTATACCATCGATGTGTATGAAATGAAAGTCAGTGGCTCTC[G>A]AAAAGTAAGTAACCAAAACAGACATTTAAAGAAAAGGACTCTTGAAAGAGGACAGCATTT-3'
Protein context (NP_015564.5, residues 384-404): DVYEMKVSGS[Arg394Gln]KAGYWNEYER

ClinVar aggregate classification (germline): Benign/Likely benign. Review status: criteria provided, multiple submitters, no conflicts (2 of 4 stars). 13 submissions from 13 submitters: Benign (4); Likely benign (6). 3 of the submissions do not count toward it. Last evaluated 2026-02-02.

Conditions:
GRIA3-related disorder. Also called: GRIA3-related condition.
Inborn genetic diseases. Identifiers: MedGen C0950123, MeSH D030342.
Syndromic X-linked intellectual disability 94 (MRXSW). Also called: X-linked intellectual disability due to GRIA3 anomalies; MENTAL RETARDATION, X-LINKED, SYNDROMIC 29. Identifiers: Orphanet 364028, MedGen C2678051, MONDO:0010402, OMIM 300699.

Allele frequency attached by ClinVar (database versions not stated): gnomAD 0.00063; 1000 Genomes Project 0.00079; 1000 Genomes Project 30x 0.00083; TOPMed 0.00093; gnomAD exomes 0.00102 and 0.00148; ESP Exome Variant Server 0.00133; ExAC 0.00153.

Submissions (13):

Labcorp Genetics (formerly Invitae), Labcorp
Classification: Likely benign. Last evaluated: 2026-02-02. Review status: criteria provided, single submitter. Criteria: Invitae Variant Classification Sherloc (09022015). Collection method: clinical testing. Allele origin: germline.

ARUP Laboratories, Molecular Genetics and Genomics, ARUP Laboratories
Classification: Likely benign for Syndromic X-linked intellectual disability 94. Last evaluated: 2025-04-16. Review status: criteria provided, single submitter. Criteria: ARUP Molecular Germline Variant Investigation Process 2024. Collection method: clinical testing. Allele origin: germline.

Blueprint Genetics
Classification: Likely benign. Last evaluated: 2024-11-28. Review status: criteria provided, single submitter. Criteria: ACMG Guidelines, 2015. Collection method: clinical testing. Allele origin: germline.

GeneDx
Classification: Benign. Last evaluated: 2019-12-02. Review status: criteria provided, single submitter. Criteria: GeneDx Variant Classification Process June 2021. Collection method: clinical testing. Allele origin: germline. Affected: yes.

Mendelics
Classification: Likely benign for Syndromic X-linked intellectual disability 94. Last evaluated: 2019-05-28. Review status: criteria provided, single submitter. Criteria: Mendelics Assertion Criteria 2017. Collection method: clinical testing. Allele origin: unknown.

Ambry Genetics
Classification: Benign for Inborn genetic diseases. Last evaluated: 2019-03-21. Review status: criteria provided, single submitter. Criteria: Ambry Variant Classification Scheme 2023. Collection method: clinical testing. Allele origin: germline.

Genetic Services Laboratory, University of Chicago
Classification: Benign. Last evaluated: 2018-03-06. Review status: criteria provided, single submitter. Criteria: ACMG Guidelines, 2015. Collection method: clinical testing. Allele origin: germline. Affected: no.

Genomic Diagnostic Laboratory, Division of Genomic Diagnostics, Children's Hospital of Philadelphia
Classification: Likely benign. Last evaluated: 2015-06-11. Review status: criteria provided, single submitter. Criteria: DGD Variant Analysis Guidelines. Collection method: clinical testing. Allele origin: unknown.

Eurofins Ntd Llc (ga)
Classification: Benign. Last evaluated: 2015-06-02. Review status: criteria provided, single submitter. Criteria: EGL Classification Definitions 2015. Collection method: clinical testing. Allele origin: germline. Observed: 4 variant alleles, 2 heterozygotes, 1 homozygote, 1 hemizygote.

Breakthrough Genomics
Classification: Likely benign. Review status: criteria provided, single submitter. Criteria: ACMG Guidelines, 2015. Collection method: not provided. Allele origin: germline. Inheritance: X-linked inheritance. Affected: yes.

PreventionGenetics, part of Exact Sciences
Classification: Benign for GRIA3-related condition. Last evaluated: 2019-02-20. Review status: no assertion criteria provided. Collection method: clinical testing. Allele origin: germline. Not counted in ClinVar's aggregate classification.
Comment: This variant is classified as benign based on ACMG/AMP sequence variant interpretation guidelines (Richards et al. 2015 PMID: 25741868, with internal and published modifications).

Clinical Genetics DNA and cytogenetics Diagnostics Lab, Erasmus MC, Erasmus Medical Center
Classification: Benign. Review status: no assertion criteria provided. Collection method: clinical testing. Allele origin: germline. Affected: yes. Study: VKGL Data-share Consensus. Not counted in ClinVar's aggregate classification.

Genome Diagnostics Laboratory, University Medical Center Utrecht
Classification: Benign. Review status: no assertion criteria provided. Collection method: clinical testing. Allele origin: germline. Affected: yes. Study: VKGL Data-share Consensus. Not counted in ClinVar's aggregate classification.